The following is an entry in ClinVar:

ClinVar aggregate classification (germline): Uncertain significance (1 of 4 stars; one submission).

Conditions:
Alstrom syndrome (ALMS). Identifiers: Orphanet 64, MedGen C0268425, MONDO:0008763, OMIM 203800.

Submission:

Labcorp Genetics (formerly Invitae), Labcorp
Classification: Uncertain significance for Alstrom syndrome. Last evaluated: 2021-11-26. Review status: criteria provided, single submitter. Criteria: Invitae Variant Classification Sherloc (09022015). Collection method: clinical testing. Allele origin: germline.
Comment: Experimental studies and prediction algorithms are not available or were not evaluated, and the functional significance of this variant is currently unknown. In summary, the available evidence is currently insufficient to determine the role of this variant in disease. Therefore, it has been classified as a Variant of Uncertain Significance. This variant has not been reported in the literature in individuals affected with ALMS1-related conditions. This variant is not present in population databases (gnomAD no frequency). This sequence change replaces proline, which is neutral and non-polar, with threonine, which is neutral and polar, at codon 1462 of the ALMS1 protein (p.Pro1462Thr).

NM_001378454.1(ALMS1):c.4381C>A (p.Pro1461Thr)

Gene: ALMS1 (ALMS1 centrosome and basal body associated protein; plus strand). Cytogenetic location: 2p13.1.
Variant type: single nucleotide variant.
Coding change: c.4381C>A on transcript NM_001378454.1 (MANE Select); coding-DNA position 4381, C replaced by A.
Protein change: p.Pro1461Thr; replaces proline 1461 with threonine.
Molecular consequence: missense variant.
Genome position (GRCh38, 1-based): chr2:73,450,908, C>A. VCF-style: chr2-73450908-C-A. GRCh37 (hg19) VCF-style: chr2-73678035-C-A.
Other names: c.4384C>A, p.Pro1462Thr (NM_015120.4); short protein forms P1461T, P1462T.
Identifiers: ClinVar variation 1426778 (VCV001426778.6), dbSNP rs2103782534, ClinGen allele CA347278421.